The following is an entry in ClinVar:

NM_183050.4(BCKDHB):c.477+14C>T

Gene: BCKDHB (branched chain keto acid dehydrogenase E1 subunit beta; plus strand). Cytogenetic location: 6q14.1.
Variant type: single nucleotide variant.
Coding change: c.477+14C>T on transcript NM_183050.4 (MANE Select); 14 bases into the intron after coding-DNA position 477, C replaced by T.
Molecular consequence: intron variant.
Genome position (GRCh38, 1-based): chr6:80,167,825, C>T. VCF-style: chr6-80167825-C-T. GRCh37 (hg19) VCF-style: chr6-80877542-C-T.
Other names: c.267+14C>T (NM_001318975.1); c.477+14C>T (NM_000056.5).
Identifiers: ClinVar variation 384205 (VCV000384205.11), dbSNP rs112504381, ClinGen allele CA3902614.

ClinVar aggregate classification (germline): Benign/Likely benign. Review status: criteria provided, multiple submitters, no conflicts (2 of 4 stars). 3 submissions from 3 submitters: Benign (1); Likely benign (2). Last evaluated 2026-02-04.

Conditions:
Maple syrup urine disease (MSUD). Identifiers: Orphanet 511, MedGen C0024776, MeSH D008375, MONDO:0009563. Disease mechanism: loss of function.

Allele frequency attached by ClinVar (database versions not stated): gnomAD 0.00174 and 0.00185; TOPMed 0.00180; 1000 Genomes Project 0.00200; 1000 Genomes Project 30x 0.00203; ESP Exome Variant Server 0.00208.
gnomAD v4.1: 533 of 1,612,426 alleles (0.033%); highest among the groups gnomAD compares: African/African-American, 0.59%; 3 homozygotes.

Submissions (3):

Labcorp Genetics (formerly Invitae), Labcorp
Classification: Benign for Maple syrup urine disease. Last evaluated: 2026-02-04. Review status: criteria provided, single submitter. Criteria: Invitae Variant Classification Sherloc (09022015). Collection method: clinical testing. Allele origin: germline.

Blueprint Genetics
Classification: Likely benign. Last evaluated: 2024-11-13. Review status: criteria provided, single submitter. Criteria: ACMG Guidelines, 2015. Collection method: clinical testing. Allele origin: germline.

GeneDx
Classification: Likely benign. Last evaluated: 2017-12-26. Review status: criteria provided, single submitter. Criteria: GeneDx Variant Classification (06012015). Collection method: clinical testing. Allele origin: germline. Affected: yes.
Comment: This variant is considered likely benign or benign based on one or more of the following criteria: it is a conservative change, it occurs at a poorly conserved position in the protein, it is predicted to be benign by multiple in silico algorithms, and/or has population frequency not consistent with disease.